The following is an entry in ClinVar:

NC_000014.8:g.(?_67610059)_(67610186_?)dup

Gene: GPHN (gephyrin; plus strand). Cytogenetic location: 14q23.3.
Variant type: Duplication.
Identifiers: ClinVar variation 583531 (VCV000583531.8).

ClinVar aggregate classification (germline): Likely pathogenic (1 of 4 stars; one submission).

Conditions:
Sulfite oxidase deficiency due to molybdenum cofactor deficiency type C. Also called: Molybdenum cofactor deficiency C; Molybdenum cofactor deficiency, complementation group C. Identifiers: Orphanet 308400, Orphanet 833, MedGen C1854990, MONDO:0014212, OMIM 615501.

Submission:

Labcorp Genetics (formerly Invitae), Labcorp
Classification: Likely pathogenic for Sulfite oxidase deficiency due to molybdenum cofactor deficiency type C. Last evaluated: 2020-03-05. Review status: criteria provided, single submitter. Criteria: Invitae Variant Classification Sherloc (09022015). Collection method: clinical testing. Allele origin: germline.
Comment: In summary, the currently available evidence indicates that the variant is pathogenic, but additional data are needed to prove that conclusively. Therefore, this variant has been classified as Likely Pathogenic. Loss-of-function variants in GPHN are known to be pathogenic (PMID: 11095995). This variant has not been reported in the literature in individuals with GPHN-related disease. This variant is a gross duplication of the genomic region encompassing exon 18 of the GPHN gene. While the exact position of the duplicated exons cannot be determined from this data, sub-genic duplications are generally in tandem (PMID: 25640679) and may result in an absent or disrupted protein product.

Literature cited by the submitters: PubMed 11095995; PubMed 25640679.